The following is an entry in ClinVar:

NM_006593.4(TBR1):c.361A>G (p.Ser121Gly)

Gene: TBR1 (T-box brain transcription factor 1; plus strand). Cytogenetic location: 2q24.2.
Variant type: single nucleotide variant.
Coding change: c.361A>G on transcript NM_006593.4 (MANE Select); coding-DNA position 361, A replaced by G.
Protein change: p.Ser121Gly; replaces serine 121 with glycine.
Molecular consequence: missense variant.
Genome position (GRCh38, 1-based): chr2:161,416,771, A>G. VCF-style: chr2-161416771-A-G. GRCh37 (hg19) VCF-style: chr2-162273282-A-G.
Other names: c.361A>G (NM_006593.2); short protein forms S121G.
Identifiers: ClinVar variation 2630044 (VCV002630044.3), dbSNP rs2468090499, ClinGen allele CA349211226.
Genomic context (GRCh38, chr2:161,416,771, plus strand): 5'-GCTGCAGATCGCTACCTCCTCTCTCAGTCCAGCCAGCCACAGTCTGCGGCCACTGCTCCC[A>G]GTGCCATGTTCCCGTACCCCGGCCAGCACGGACCGGCGCACCCCGCCTTCTCCATCGGCA-3'
Protein context (NP_006584.1, residues 111-131): SQPQSAATAP[Ser121Gly]AMFPYPGQHG

ClinVar aggregate classification (germline): Uncertain significance. Review status: criteria provided, multiple submitters, no conflicts (2 of 4 stars). 2 submissions from 2 submitters: Uncertain significance (2). Last evaluated 2026-05-27.

Conditions:
TBR1-related disorder. Also called: TBR1-related condition.

Submissions (2):

GeneDx
Classification: Uncertain significance. Last evaluated: 2026-05-27. Review status: criteria provided, single submitter. Criteria: GeneDx Variant Classification Process June 2021. Collection method: clinical testing. Allele origin: germline.
Comment: Not observed at significant frequency in large population cohorts (gnomAD); In silico analysis suggests that this missense variant does not alter protein structure/function; Has not been previously published as pathogenic or benign to our knowledge

PreventionGenetics, part of Exact Sciences
Classification: Uncertain significance for TBR1-related condition. Last evaluated: 2023-04-03. Review status: criteria provided, single submitter. Criteria: ACMG Guidelines, 2015. Collection method: clinical testing. Allele origin: germline.
Comment: The TBR1 c.361A>G variant is predicted to result in the amino acid substitution p.Ser121Gly. To our knowledge, this variant has not been reported in the literature or in a large population database, indicating this variant is rare. At this time, the clinical significance of this variant is uncertain due to the absence of conclusive functional and genetic evidence.